The following is an entry in ClinVar:

ClinVar aggregate classification (germline): Uncertain significance (1 of 4 stars; one submission).

Conditions:
Hypertrophic cardiomyopathy. Also called: HYPERTROPHIC MYOCARDIOPATHY. Identifiers: Orphanet 217569, MedGen C0007194, MeSH D002312, MONDO:0005045, HP:0001639.

Submission:

All of Us Research Program, National Institutes of Health
Classification: Uncertain significance for Hypertrophic cardiomyopathy. Last evaluated: 2023-06-26. Review status: criteria provided, single submitter. Criteria: ACMG Guidelines, 2015. Collection method: clinical testing. Allele origin: germline. Inheritance: Autosomal dominant inheritance. Observed: 1 variant allele, 1 heterozygote.
Comment: This variant is located in the TPM1 protein. To our knowledge, functional studies have not been reported for this variant. This variant has not been reported in individuals affected with TPM1-related disorders in the literature. This variant has not been identified in the general population by the Genome Aggregation Database (gnomAD). The available evidence is insufficient to determine the role of this variant in disease conclusively. Therefore, this variant is classified as a Variant of Uncertain Significance.

This study involves interpretation of variants in research participants for the purpose of population health screening. Participant phenotype was not available at the time of variant classification. Additional details can be found in publication PMID: 35346344, PMCID: PMC8962531

NM_001018005.2(TPM1):c.270A>G (p.Arg90=)

Gene: TPM1 (tropomyosin 1; plus strand). Cytogenetic location: 15q22.2.
Variant type: single nucleotide variant.
Coding change: c.270A>G on transcript NM_001018005.2 (MANE Select); coding-DNA position 270, A replaced by G.
Protein change: p.Arg90=; no amino-acid change (arginine 90 retained).
Molecular consequence: synonymous variant. On other transcripts: non-coding transcript variant (17).
Genome position (GRCh38, 1-based): chr15:63,057,014, A>G. VCF-style: chr15-63057014-A-G. GRCh37 (hg19) VCF-style: chr15-63349213-A-G.
Other names: c.270A>G, p.Arg90= (NM_000366.6, NM_001018004.2, NM_001018006.2 and 20 more transcripts); c.162A>G, p.Arg54= (NM_001018008.2, NM_001301289.2, NM_001330344.2 and 9 more transcripts); c.396A>G, p.Arg132= (NM_001365778.1, NM_001407322.1, NM_001407323.1 and 1 more transcripts).
Identifiers: ClinVar variation 3072014 (VCV003072014.1), dbSNP rs2542719846, ClinGen allele CA490692889.